The following is an entry in ClinVar:

NM_020184.4(CNNM4):c.29_55del (p.Pro10_Arg18del)

Gene: CNNM4 (cyclin and CBS domain divalent metal cation transport mediator 4; plus strand). Cytogenetic location: 2q11.2.
Variant type: Deletion.
Coding change: c.29_55del on transcript NM_020184.4 (MANE Select); coding-DNA positions 29 to 55, 27 bases deleted (CGGTCGGCGGACCGGCCCGCGGGCGCC).
Protein change: p.Pro10_Arg18del.
Molecular consequence: inframe deletion.
Genome position (GRCh38, 1-based): chr2:96,761,028-96,761,054, CGGTCGGCGGACCGGCCCGCGGGCGCC deleted; deleting any 27 consecutive bases within chr2:96,761,019-96,761,054 gives the same sequence; the c. name uses the placement nearest the transcript's 3' end. VCF-style (leftmost placement, unchanged base first): chr2-96761018-GGCGGGCGCCCGGTCGGCGGACCGGCCC-G. GRCh37 (hg19) VCF-style: chr2-97426755-GGCGGGCGCCCGGTCGGCGGACCGGCCC-G.
Identifiers: ClinVar variation 1402965 (VCV001402965.5), dbSNP rs1297931953, ClinGen allele CA534636477.
Genomic context (GRCh38, chr2:96,761,018, plus strand): 5'-GCGTGGCGCGGGGAGCGGCGGCGGCGGCAGAGCCAGAGCAACATGGCGCCGGTGGGCGGG[GGCGGGCGCCCGGTCGGCGGACCGGCCC>G]GCGGGCGCCTCCTCCTGGCGGCGCCGGTGCTGCTGGTGCTGCTGTGGGCGCTGGGGGCCC-3'

ClinVar aggregate classification (germline): Uncertain significance (1 of 4 stars; one submission).

Submission:

Labcorp Genetics (formerly Invitae), Labcorp
Classification: Uncertain significance. Last evaluated: 2024-11-11. Review status: criteria provided, single submitter. Criteria: Invitae Variant Classification Sherloc (09022015). Collection method: clinical testing. Allele origin: germline.
Comment: This variant, c.29_55del, results in the deletion of 9 amino acid(s) of the CNNM4 protein (p.Pro10_Arg18del), but otherwise preserves the integrity of the reading frame. The frequency data for this variant in the population databases is considered unreliable, as metrics indicate insufficient coverage at this position in the gnomAD database. This variant has not been reported in the literature in individuals affected with CNNM4-related conditions. ClinVar contains an entry for this variant (Variation ID: 1402965). Experimental studies and prediction algorithms are not available or were not evaluated, and the functional significance of this variant is currently unknown. In summary, the available evidence is currently insufficient to determine the role of this variant in disease. Therefore, it has been classified as a Variant of Uncertain Significance.